The following is an entry in ClinVar:

ClinVar aggregate classification (germline): Uncertain significance (1 of 4 stars; one submission).

Submission:

Labcorp Genetics (formerly Invitae), Labcorp
Classification: Uncertain significance. Last evaluated: 2025-01-22. Review status: criteria provided, single submitter. Criteria: Invitae Variant Classification Sherloc (09022015). Collection method: clinical testing. Allele origin: germline.
Comment: This variant, c.5959_5960ins198, results in the insertion of 66 amino acid(s) of the POLE protein (p.Leu1986_Pro1987ins66), but otherwise preserves the integrity of the reading frame. This variant is not present in population databases (gnomAD no frequency). This variant has not been reported in the literature in individuals affected with POLE-related conditions. This variant is also known as c.5812-50_5812-49ins198 (Intronic). Experimental studies and prediction algorithms are not available or were not evaluated, and the functional significance of this variant is currently unknown. In summary, the available evidence is currently insufficient to determine the role of this variant in disease. Therefore, it has been classified as a Variant of Uncertain Significance.

NC_000012.12:g.132634427_132634428insTGCAAAAACTGCAAAATGTTCCAGTTGTTTTCCAGTAAATCCTCCACGTTGGATTCCTCCGCCTCTTCCTCCTCCTCCCCATCTCTTTCCTCCTCATCGTCCTCATTTTCCTGCTCATCCTCTGCTCCCCCTGCTTTCTGGGAGTCTTGCTGTAACACATGAGACAACGCGGCTGTGTTTGCACCATCGCGGCCTGGT

Gene: POLE (DNA polymerase epsilon, catalytic subunit; minus strand). Cytogenetic location: 12q24.33.
Variant type: Insertion.
Genome position: GRCh38: chr12:132,634,427-132,634,428. GRCh37 (hg19): chr12:133,211,013-133,211,014.
Identifiers: ClinVar variation 3639622 (VCV003639622.1).